The following is an entry in ClinVar:

ClinVar aggregate classification (germline): Uncertain significance. Review status: criteria provided, multiple submitters, no conflicts (2 of 4 stars). 2 submissions from 2 submitters: Uncertain significance (2). Last evaluated 2025-09-19.

Conditions:
Danon disease. Also called: ANTOPOL DISEASE; PSEUDOGLYCOGENOSIS II; GSD IIb; LYSOSOMAL GLYCOGEN STORAGE DISEASE WITHOUT ACID MALTASE DEFICIENCY; Glycogen Storage Disease Type IIb. Identifiers: Orphanet 34587, MedGen C0878677, MONDO:0010281, OMIM 300257.

Submissions (2):

Dasa
Classification: Uncertain significance. Last evaluated: 2025-09-19. Review status: criteria provided, single submitter. Criteria: DASA Assertion Criteria. Collection method: clinical testing. Allele origin: germline.
Comment: NM_002294.3(LAMP2):c.425C>T (p.Ala142Val) is a missense variant that results in the substitution of alanine with valine. This variant is absent from population databases. Computational prediction algorithms are consistent with a benign effect. The currently available literature and clinical evidence are not sufficient to establish a definitive association between this variant and the reported condition. Therefore, this variant is classified as a variant of uncertain significance.

Labcorp Genetics (formerly Invitae), Labcorp
Classification: Uncertain significance for Danon disease. Last evaluated: 2023-09-22. Review status: criteria provided, single submitter. Criteria: Invitae Variant Classification Sherloc (09022015). Collection method: clinical testing. Allele origin: germline.
Comment: This variant is not present in population databases (gnomAD no frequency). This variant has not been reported in the literature in individuals affected with LAMP2-related conditions. ClinVar contains an entry for this variant (Variation ID: 1977034). Advanced modeling of protein sequence and biophysical properties (such as structural, functional, and spatial information, amino acid conservation, physicochemical variation, residue mobility, and thermodynamic stability) performed at Invitae indicates that this missense variant is not expected to disrupt LAMP2 protein function. This sequence change replaces alanine, which is neutral and non-polar, with valine, which is neutral and non-polar, at codon 142 of the LAMP2 protein (p.Ala142Val). Algorithms developed to predict the effect of sequence changes on RNA splicing suggest that this variant may create or strengthen a splice site. In summary, the available evidence is currently insufficient to determine the role of this variant in disease. Therefore, it has been classified as a Variant of Uncertain Significance.

NM_002294.3(LAMP2):c.425C>T (p.Ala142Val)

Gene: LAMP2 (lysosome associated membrane protein 2; minus strand). Cytogenetic location: Xq24.
Variant type: single nucleotide variant.
Coding change: c.425C>T on transcript NM_002294.3 (MANE Select); coding-DNA position 425, C replaced by T.
Protein change: p.Ala142Val; replaces alanine 142 with valine.
Molecular consequence: missense variant.
Genome position (GRCh38, 1-based): chrX:120,449,101, G>A on the plus strand (C>T on the coding strand, the complement: LAMP2 is on the minus strand). VCF-style: chrX-120449101-G-A. GRCh37 (hg19) VCF-style: chrX-119582956-G-A.
Other names: c.425C>T, p.Ala142Val (NM_001122606.1, NM_013995.2); short protein forms A142V.
Identifiers: ClinVar variation 1977034 (VCV001977034.7), dbSNP rs2520888772, ClinGen allele CA414402306.